The following is an entry in ClinVar:

NM_001282112.2(TOP3B):c.165G>A (p.Thr55=)

Gene: TOP3B (DNA topoisomerase III beta; minus strand). Cytogenetic location: 22q11.22.
Variant type: single nucleotide variant.
Coding change: c.165G>A on transcript NM_001282112.2 (MANE Select); coding-DNA position 165, G replaced by A.
Protein change: p.Thr55=; no amino-acid change (threonine 55 retained).
Molecular consequence: synonymous variant. On other transcripts: 5 prime UTR variant (4), non-coding transcript variant (1).
Genome position (GRCh38, 1-based): chr22:21,974,394, C>T on the plus strand (G>A on the coding strand, the complement: TOP3B is on the minus strand). VCF-style: chr22-21974394-C-T. GRCh37 (hg19) VCF-style: chr22-22328766-C-T.
Other names: c.165G>A, p.Thr55= (NM_001282113.2, NM_001349845.2, NM_001349847.2 and 1 more transcripts); c.-326G>A (NM_001349848.2, NM_001349850.2, NM_001349851.2 and 1 more transcripts).
Identifiers: ClinVar variation 782634 (VCV000782634.5), dbSNP rs149374064, ClinGen allele CA10126047.
Genomic context (GRCh38, chr22:21,974,394, plus strand): 5'-GGATGGAGGGTAGAGGGGCTTACCCAGGAAATCCAGGGTCATCACGTGACCACAGACAGA[C>T]GTCATCTTGAAGCGCACTGGCTGGCCAGCAAAGGTCCCAGTGTACTCGTGGACTGAGCAG-3'
Protein context (NP_001269041.1, residues 45-65): FAGQPVRFKM[Thr55=]SVCGHVMTLD

ClinVar aggregate classification (germline): Likely benign. Review status: criteria provided, single submitter (1 of 4 stars). 2 submissions from 2 submitters: Likely benign (1). 1 of the submissions does not count toward it. Last evaluated 2018-03-29.

Conditions:
TOP3B-related disorder. Also called: TOP3B-related condition.

Allele frequency attached by ClinVar (database versions not stated): gnomAD 0.00017 and 0.00019; TOPMed 0.00017; ESP Exome Variant Server 0.00023; 1000 Genomes Project 0.00080; 1000 Genomes Project 30x 0.00109.
gnomAD v4.1: 120 of 1,614,178 alleles (0.0074%); highest among the groups gnomAD compares: Admixed American, 0.067%; no homozygotes.

Submissions (2):

Labcorp Genetics (formerly Invitae), Labcorp
Classification: Likely benign. Last evaluated: 2018-03-29. Review status: criteria provided, single submitter. Criteria: Invitae Variant Classification Sherloc (09022015). Collection method: clinical testing. Allele origin: germline.

PreventionGenetics, part of Exact Sciences
Classification: Likely benign for TOP3B-related condition. Last evaluated: 2019-09-13. Review status: no assertion criteria provided. Collection method: clinical testing. Allele origin: germline. Not counted in ClinVar's aggregate classification.
Comment: This variant is classified as likely benign based on ACMG/AMP sequence variant interpretation guidelines (Richards et al. 2015 PMID: 25741868, with internal and published modifications).